The following is an entry in ClinVar:

NM_003737.4(DCHS1):c.6180G>A (p.Gly2060=)

Gene: DCHS1 (dachsous cadherin-related 1; minus strand). Cytogenetic location: 11p15.4.
Variant type: single nucleotide variant.
Coding change: c.6180G>A on transcript NM_003737.4 (MANE Select); coding-DNA position 6180, G replaced by A.
Protein change: p.Gly2060=; no amino-acid change (glycine 2060 retained).
Molecular consequence: synonymous variant.
Genome position (GRCh38, 1-based): chr11:6,626,859, C>T on the plus strand (G>A on the coding strand, the complement: DCHS1 is on the minus strand). VCF-style: chr11-6626859-C-T. GRCh37 (hg19) VCF-style: chr11-6648090-C-T.
Other names: c.6180G>A (NM_003737.3).
Identifiers: ClinVar variation 1586698 (VCV001586698.36), dbSNP rs145160213, ClinGen allele CA5859948.

ClinVar aggregate classification (germline): Conflicting classifications of pathogenicity. Review status: criteria provided, conflicting classifications (1 of 4 stars). 5 submissions from 5 submitters: Uncertain significance (1); Benign (1); Likely benign (2). 1 of the submissions does not count toward it. Last evaluated 2026-01-12.

Conditions:
DCHS1-related disorder. Also called: DCHS1-related condition.

Allele frequency attached by ClinVar (database versions not stated): gnomAD 0.00011; ExAC 0.00013; gnomAD exomes 0.00014 and 0.00016; ESP Exome Variant Server 0.00015.
gnomAD v4.1: 216 of 1,613,364 alleles (0.013%); highest among the groups gnomAD compares: Non-Finnish European, 0.015%; 1 homozygote.

Submissions (5):

Labcorp Genetics (formerly Invitae), Labcorp
Classification: Benign. Last evaluated: 2026-01-12. Review status: criteria provided, single submitter. Criteria: Invitae Variant Classification Sherloc (09022015). Collection method: clinical testing. Allele origin: germline.

CeGaT Center for Human Genetics Tuebingen
Classification: Likely benign. Last evaluated: 2024-12-01. Review status: criteria provided, single submitter. Criteria: CeGaT Center For Human Genetics Tuebingen Variant Classification Criteria Version 2. Collection method: clinical testing. Allele origin: germline. Affected: yes. Observed: 3 variant alleles.
Comment: DCHS1: BP4, BP7

Blueprint Genetics
Classification: Likely benign. Last evaluated: 2024-11-27. Review status: criteria provided, single submitter. Criteria: ACMG Guidelines, 2015. Collection method: clinical testing. Allele origin: germline.

Revvity Omics, Revvity
Classification: Uncertain significance. Last evaluated: 2022-06-01. Review status: criteria provided, single submitter. Criteria: ACMG Guidelines, 2015. Collection method: clinical testing. Allele origin: germline.

PreventionGenetics, part of Exact Sciences
Classification: Likely benign for DCHS1-related condition. Last evaluated: 2022-04-14. Review status: no assertion criteria provided. Collection method: clinical testing. Allele origin: germline. Not counted in ClinVar's aggregate classification.
Comment: This variant is classified as likely benign based on ACMG/AMP sequence variant interpretation guidelines (Richards et al. 2015 PMID: 25741868, with internal and published modifications).